The following is an entry in ClinVar:

NM_002185.5(IL7R):c.1106G>A (p.Cys369Tyr)

Gene: IL7R (interleukin 7 receptor; plus strand). Cytogenetic location: 5p13.2.
Variant type: single nucleotide variant.
Coding change: c.1106G>A on transcript NM_002185.5 (MANE Select); coding-DNA position 1106, G replaced by A.
Protein change: p.Cys369Tyr; replaces cysteine 369 with tyrosine.
Molecular consequence: missense variant. On other transcripts: non-coding transcript variant (1).
Genome position (GRCh38, 1-based): chr5:35,876,212, G>A. VCF-style: chr5-35876212-G-A. GRCh37 (hg19) VCF-style: chr5-35876314-G-A.
Other names: c.1106G>A (NM_002185.2); short protein forms C369Y.
Identifiers: ClinVar variation 1507255 (VCV001507255.8), dbSNP rs758381888, ClinGen allele CA359432879.

ClinVar aggregate classification (germline): Uncertain significance. Review status: criteria provided, multiple submitters, no conflicts (2 of 4 stars). 2 submissions from 2 submitters: Uncertain significance (2). Last evaluated 2022-07-13.

Conditions:
Inborn genetic diseases. Identifiers: MedGen C0950123, MeSH D030342.
Immunodeficiency 104. Also called: Severe combined immunodeficiency, autosomal recessive, T cell-negative, B cell-positive, NK cell-positive; SCID, AUTOSOMAL RECESSIVE, T CELL-NEGATIVE, B CELL-POSITIVE, NK CELL-POSITIVE; Severe Combined Immune Deficiency, Autosomal Recessive, TCell -Negative, B Cell-Positive, NK Cell-Positive, IL7R-Related; IMMUNODEFICIENCY 104, SEVERE COMBINED. Identifiers: MedGen C5676890, MONDO:0012163, OMIM 608971.

gnomAD v4.1: 5 of 1,614,180 alleles (0.00031%); highest among the groups gnomAD compares: Admixed American, 0.0017%; no homozygotes.

Submissions (2):

Ambry Genetics
Classification: Uncertain significance for Inborn genetic diseases. Last evaluated: 2022-07-13. Review status: criteria provided, single submitter. Criteria: Ambry Variant Classification Scheme 2023. Collection method: clinical testing. Allele origin: germline.

Labcorp Genetics (formerly Invitae), Labcorp
Classification: Uncertain significance for Immunodeficiency 104. Last evaluated: 2021-04-12. Review status: criteria provided, single submitter. Criteria: Invitae Variant Classification Sherloc (09022015). Collection method: clinical testing. Allele origin: germline.
Comment: This sequence change replaces cysteine with tyrosine at codon 369 of the IL7R protein (p.Cys369Tyr). The cysteine residue is highly conserved and there is a large physicochemical difference between cysteine and tyrosine. This variant is not present in population databases (ExAC no frequency). This variant has not been reported in the literature in individuals with IL7R-related conditions. Advanced modeling of protein sequence and biophysical properties (such as structural, functional, and spatial information, amino acid conservation, physicochemical variation, residue mobility, and thermodynamic stability) performed at Invitae indicates that this missense variant is not expected to disrupt IL7R protein function. In summary, the available evidence is currently insufficient to determine the role of this variant in disease. Therefore, it has been classified as a Variant of Uncertain Significance.